The following is an entry in ClinVar:

ClinVar aggregate classification (germline): Uncertain significance. Review status: criteria provided, multiple submitters, no conflicts (2 of 4 stars). 2 submissions from 2 submitters: Uncertain significance (2). Last evaluated 2024-02-02.

Allele frequency attached by ClinVar (database versions not stated): gnomAD exomes below 0.00001.
gnomAD v4.1: 1 of 1,603,974 alleles (0.000062%); highest among the groups gnomAD compares: Non-Finnish European, 0.000085%; no homozygotes.

Submissions (2):

Ambry Genetics
Classification: Uncertain significance. Last evaluated: 2024-02-02. Review status: criteria provided, single submitter. Criteria: Ambry Variant Classification Scheme 2023. Collection method: clinical testing. Allele origin: germline.
Comment: The p.S97A variant (also known as c.289T>G), located in coding exon 4 of the RINT1 gene, results from a T to G substitution at nucleotide position 289. The serine at codon 97 is replaced by alanine, an amino acid with similar properties. This amino acid position is conserved. In addition, this alteration is predicted to be tolerated by in silico analysis. Since supporting evidence is limited at this time, the clinical significance of this alteration remains unclear.

Labcorp Genetics (formerly Invitae), Labcorp
Classification: Uncertain significance. Last evaluated: 2020-02-26. Review status: criteria provided, single submitter. Criteria: Invitae Variant Classification Sherloc (09022015). Collection method: clinical testing. Allele origin: germline.
Comment: In summary, the available evidence is currently insufficient to determine the role of this variant in disease. Therefore, it has been classified as a Variant of Uncertain Significance. Algorithms developed to predict the effect of sequence changes on RNA splicing suggest that this variant may create or strengthen a splice site, but this prediction has not been confirmed by published transcriptional studies. Algorithms developed to predict the effect of missense changes on protein structure and function (SIFT, PolyPhen-2, Align-GVGD) all suggest that this variant is likely to be tolerated, but these predictions have not been confirmed by published functional studies and their clinical significance is uncertain. This variant has not been reported in the literature in individuals with RINT1-related disease. This variant is not present in population databases (ExAC no frequency). This sequence change replaces serine with alanine at codon 97 of the RINT1 protein (p.Ser97Ala). The serine residue is highly conserved and there is a moderate physicochemical difference between serine and alanine.

NM_021930.6(RINT1):c.289T>G (p.Ser97Ala)

Gene: RINT1 (RAD50 interactor 1; plus strand). Cytogenetic location: 7q22.3.
Variant type: single nucleotide variant.
Coding change: c.289T>G on transcript NM_021930.6 (MANE Select); coding-DNA position 289, T replaced by G.
Protein change: p.Ser97Ala; replaces serine 97 with alanine.
Molecular consequence: missense variant. On other transcripts: 5 prime UTR variant (3), non-coding transcript variant (1).
Genome position (GRCh38, 1-based): chr7:105,542,423, T>G. VCF-style: chr7-105542423-T-G. GRCh37 (hg19) VCF-style: chr7-105182870-T-G.
Other names: c.55T>G, p.Ser19Ala (NM_001346599.2); c.-731T>G (NM_001346600.2); c.-634T>G (NM_001346601.2); c.-254T>G (NM_001346603.2); short protein forms S19A, S97A.
Identifiers: ClinVar variation 1064088 (VCV001064088.11), dbSNP rs2133373069, ClinGen allele CA368802770.
Genomic context (GRCh38, chr7:105,542,423, plus strand): 5'-ATTGCTGCTGTTCTTTCTTTCTTTCTTTTTTAAAATTATGGTCAGGTACTTACAATTTCA[T>G]CAGAAATTCCTAAAAGAATTCGAAGTGCCTTAAAAAATGCAGAAGAATCAAAGCAATTTC-3'
Protein context (NP_068749.3, residues 87-107): QLEEQVLTIS[Ser97Ala]EIPKRIRSAL